The following is an entry in ClinVar:

ClinVar aggregate classification (germline): Uncertain significance (1 of 4 stars; one submission).

Conditions:
Kabuki syndrome 2 (KABUK2). Also called: KDM6A-Related Kabuki Syndrome. Identifiers: Orphanet 2322, MedGen C3275495, MONDO:0010465, OMIM 300867.

Submission:

Labcorp Genetics (formerly Invitae), Labcorp
Classification: Uncertain significance for Kabuki syndrome 2. Last evaluated: 2024-03-24. Review status: criteria provided, single submitter. Criteria: Invitae Variant Classification Sherloc (09022015). Collection method: clinical testing. Allele origin: germline.
Comment: This sequence change replaces valine, which is neutral and non-polar, with leucine, which is neutral and non-polar, at codon 1110 of the KDM6A protein (p.Val1110Leu). This variant is not present in population databases (gnomAD no frequency). This variant has not been reported in the literature in individuals affected with KDM6A-related conditions. Advanced modeling of protein sequence and biophysical properties (such as structural, functional, and spatial information, amino acid conservation, physicochemical variation, residue mobility, and thermodynamic stability) performed at Invitae indicates that this missense variant is not expected to disrupt KDM6A protein function with a negative predictive value of 80%. In summary, the available evidence is currently insufficient to determine the role of this variant in disease. Therefore, it has been classified as a Variant of Uncertain Significance.

NM_001291415.2(KDM6A):c.3484G>T (p.Val1162Leu)

Gene: KDM6A (lysine demethylase 6A; plus strand). Cytogenetic location: Xp11.3.
Variant type: single nucleotide variant.
Coding change: c.3484G>T on transcript NM_001291415.2 (MANE Select); coding-DNA position 3484, G replaced by T.
Protein change: p.Val1162Leu; replaces valine 1162 with leucine.
Molecular consequence: missense variant. On other transcripts: non-coding transcript variant (1).
Genome position (GRCh38, 1-based): chrX:45,083,503, G>T. VCF-style: chrX-45083503-G-T. GRCh37 (hg19) VCF-style: chrX-44942748-G-T.
Other names: c.3328G>T, p.Val1110Leu (NM_021140.4, NM_001419812.1); c.3382G>T, p.Val1128Leu (NM_001419813.1, NM_001419810.1); c.3226G>T, p.Val1076Leu (NM_001419814.1, NM_001410742.1); c.3091G>T, p.Val1031Leu (NM_001419815.1, NM_001291418.2); c.3349G>T, p.Val1117Leu (NM_001291416.2, NM_001419811.1); c.3193G>T, p.Val1065Leu (NM_001291417.2); c.2440G>T, p.Val814Leu (NM_001291421.2); c.3484G>T, p.Val1162Leu (NM_001419809.1); short protein forms V1065L, V1076L, V1128L, V1162L, V814L, V1031L, V1110L, V1117L.
Identifiers: ClinVar variation 3646613 (VCV003646613.2).